The following is an entry in ClinVar:

ClinVar aggregate classification (germline): Benign/Likely benign. Review status: criteria provided, multiple submitters, no conflicts (2 of 4 stars). 2 submissions from 2 submitters: Benign (1); Likely benign (1). Last evaluated 2025-12-01.

Conditions:
Developmental and epileptic encephalopathy, 54. Also called: HNRNPU-Related Neurodevelopmental Disorder; Epileptic encephalopathy, early infantile, 54. Identifiers: MedGen C4479319, MONDO:0033363, OMIM 617391.

Allele frequency attached by ClinVar (database versions not stated): gnomAD exomes below 0.00001 and 0.00001; TOPMed 0.00001; gnomAD 0.00002.
gnomAD v4.1: 14 of 1,613,968 alleles (0.00087%); highest among the groups gnomAD compares: Non-Finnish European, 0.00093%; no homozygotes.

Submissions (2):

CeGaT Center for Human Genetics Tuebingen
Classification: Likely benign. Last evaluated: 2025-12-01. Review status: criteria provided, single submitter. Criteria: CeGaT Center For Human Genetics Tuebingen Variant Classification Criteria Version 2. Collection method: clinical testing. Allele origin: germline. Affected: yes. Observed: 1 variant allele.
Comment: HNRNPU: BP4

Labcorp Genetics (formerly Invitae), Labcorp
Classification: Benign for Developmental and epileptic encephalopathy, 54. Last evaluated: 2022-05-05. Review status: criteria provided, single submitter. Criteria: Invitae Variant Classification Sherloc (09022015). Collection method: clinical testing. Allele origin: germline.

NM_031844.3(HNRNPU):c.2204A>G (p.Asn735Ser)

Gene: HNRNPU (heterogeneous nuclear ribonucleoprotein U; minus strand). Cytogenetic location: 1q44.
Variant type: single nucleotide variant.
Coding change: c.2204A>G on transcript NM_031844.3 (MANE Select); coding-DNA position 2204, A replaced by G.
Protein change: p.Asn735Ser; replaces asparagine 735 with serine.
Molecular consequence: missense variant.
Genome position (GRCh38, 1-based): chr1:244,855,572, T>C on the plus strand (A>G on the coding strand, the complement: HNRNPU is on the minus strand). VCF-style: chr1-244855572-T-C. GRCh37 (hg19) VCF-style: chr1-245018874-T-C.
Other names: c.2147A>G, p.Asn716Ser (NM_004501.3); short protein forms N716S, N735S.
Identifiers: ClinVar variation 1660216 (VCV001660216.13), dbSNP rs1254900423, ClinGen allele CA345487122.